The following is an entry in ClinVar:

ClinVar aggregate classification (germline): Likely benign. Review status: criteria provided, multiple submitters, no conflicts (2 of 4 stars). 3 submissions from 3 submitters: Likely benign (3). Last evaluated 2025-12-21.

Allele frequency attached by ClinVar (database versions not stated): gnomAD exomes 0.00001; ExAC 0.00003; gnomAD 0.00014; ESP Exome Variant Server 0.00015; TOPMed 0.00015; 1000 Genomes Project 30x 0.00031; 1000 Genomes Project 0.00040.
gnomAD v4.1: 40 of 1,613,842 alleles (0.0025%); highest among the groups gnomAD compares: African/African-American, 0.043%; no homozygotes.

Submissions (3):

Labcorp Genetics (formerly Invitae), Labcorp
Classification: Likely benign. Last evaluated: 2025-12-21. Review status: criteria provided, single submitter. Criteria: Invitae Variant Classification Sherloc (09022015). Collection method: clinical testing. Allele origin: germline.

CeGaT Center for Human Genetics Tuebingen
Classification: Likely benign. Last evaluated: 2025-10-01. Review status: criteria provided, single submitter. Criteria: CeGaT Center For Human Genetics Tuebingen Variant Classification Criteria Version 2. Collection method: clinical testing. Allele origin: germline. Affected: yes. Observed: 1 variant allele.
Comment: SLC25A4: BP4, BP7

Blueprint Genetics
Classification: Likely benign. Last evaluated: 2023-05-19. Review status: criteria provided, single submitter. Criteria: ACMG Guidelines, 2015. Collection method: clinical testing. Allele origin: germline.

NM_001151.4(SLC25A4):c.516G>A (p.Gly172=)

Gene: SLC25A4 (solute carrier family 25 member 4; plus strand). Cytogenetic location: 4q35.1.
Variant type: single nucleotide variant.
Coding change: c.516G>A on transcript NM_001151.4 (MANE Select); coding-DNA position 516, G replaced by A.
Protein change: p.Gly172=; no amino-acid change (glycine 172 retained).
Molecular consequence: synonymous variant.
Genome position (GRCh38, 1-based): chr4:185,145,168, G>A. VCF-style: chr4-185145168-G-A. GRCh37 (hg19) VCF-style: chr4-186066322-G-A.
Identifiers: ClinVar variation 2072882 (VCV002072882.11), dbSNP rs145904515, ClinGen allele CA3156482.